The following is an entry in ClinVar:

ClinVar aggregate classification (germline): Benign. Review status: criteria provided, multiple submitters, no conflicts (2 of 4 stars). 2 submissions from 2 submitters: Benign (2). Last evaluated 2021-06-19.

Allele frequency attached by ClinVar (database versions not stated): ESP Exome Variant Server 0.02706; gnomAD exomes 0.04916 and 0.10038; gnomAD 0.05456 and 0.06170; TOPMed 0.06589; ExAC 0.09179; 1000 Genomes Project 30x 0.14663; 1000 Genomes Project 0.15016.
gnomAD v4.1: 80,572 of 1,581,972 alleles (5.1%); highest among the groups gnomAD compares: East Asian, 47%; 7,647 homozygotes.

Submissions (2):

GeneDx
Classification: Benign. Last evaluated: 2021-06-19. Review status: criteria provided, single submitter. Criteria: GeneDx Variant Classification Process June 2021. Collection method: clinical testing. Allele origin: germline. Affected: yes.
Comment: This variant is associated with the following publications: (PMID: 22771031)

Breakthrough Genomics
Classification: Benign. Review status: criteria provided, single submitter. Criteria: ACMG Guidelines, 2015. Collection method: not provided. Allele origin: germline. Inheritance: Unknown mechanism. Affected: yes.

NM_004454.3(ETV5):c.1209+51G>T

Gene: ETV5 (ETS variant transcription factor 5; minus strand). Cytogenetic location: 3q27.2.
Variant type: single nucleotide variant.
Coding change: c.1209+51G>T on transcript NM_004454.3 (MANE Select); 51 bases into the intron after coding-DNA position 1209, G replaced by T.
Molecular consequence: intron variant.
Genome position (GRCh38, 1-based): chr3:186,057,024, C>A on the plus strand (G>T on the coding strand, the complement: ETV5 is on the minus strand). VCF-style: chr3-186057024-C-A. GRCh37 (hg19) VCF-style: chr3-185774813-C-A.
Identifiers: ClinVar variation 1179924 (VCV001179924.3), dbSNP rs59852126, ClinGen allele CA2742449.